The following is an entry in ClinVar:

ClinVar aggregate classification (germline): Uncertain significance (1 of 4 stars; one submission).

Conditions:
Cardiovascular phenotype. Identifiers: MedGen CN230736.

Submission:

Ambry Genetics
Classification: Uncertain significance for Cardiovascular phenotype. Last evaluated: 2025-11-18. Review status: criteria provided, single submitter. Criteria: Ambry Variant Classification Scheme 2023. Collection method: clinical testing. Allele origin: germline.
Comment: The p.D48G variant (also known as c.143A>G), located in coding exon 2 of the AKAP9 gene, results from an A to G substitution at nucleotide position 143. The aspartic acid at codon 48 is replaced by glycine, an amino acid with similar properties. This amino acid position is conserved. In addition, this alteration is predicted to be tolerated by in silico analysis. Since supporting evidence is limited at this time, the clinical significance of this alteration remains unclear.

NM_005751.5(AKAP9):c.143A>G (p.Asp48Gly)

Gene: AKAP9 (A-kinase anchoring protein 9; plus strand). Cytogenetic location: 7q21.2.
Variant type: single nucleotide variant.
Coding change: c.143A>G on transcript NM_005751.5 (MANE Select); coding-DNA position 143, A replaced by G.
Protein change: p.Asp48Gly; replaces aspartic acid 48 with glycine.
Molecular consequence: missense variant.
Genome position (GRCh38, 1-based): chr7:91,973,805, A>G. VCF-style: chr7-91973805-A-G. GRCh37 (hg19) VCF-style: chr7-91603119-A-G.
Other names: c.143A>G, p.Asp48Gly (NM_147185.3); short protein forms D48G.
Identifiers: ClinVar variation 2564448 (VCV002564448.3), dbSNP rs2484598767, ClinGen allele CA368118551.